The following is an entry in ClinVar:

ClinVar aggregate classification (germline): Uncertain significance (1 of 4 stars; one submission).

Conditions:
Stormorken syndrome (STRMK). Also called: THROMBOCYTOPATHY, ASPLENIA, AND MIOSIS. Identifiers: Orphanet 3204, MedGen C1861451, MONDO:0008497, OMIM 185070.
Combined immunodeficiency due to STIM1 deficiency. Also called: IMMUNODEFICIENCY 10; STIM1 DEFICIENCY. Identifiers: Orphanet 169090, Orphanet 317430, MedGen C2748557, MONDO:0013008, OMIM 612783.
Myopathy with tubular aggregates (TAM). Also called: Tubular Aggregate Myopathy. Identifiers: Orphanet 2593, MedGen C0410207, MONDO:0008051.

Allele frequency attached by ClinVar (database versions not stated): gnomAD exomes below 0.00001; TOPMed below 0.00001.
gnomAD v4.1: 1 of 1,614,156 alleles (0.000062%); highest among the groups gnomAD compares: Non-Finnish European, 0.000085%; no homozygotes.

Submission:

Labcorp Genetics (formerly Invitae), Labcorp
Classification: Uncertain significance for Myopathy with tubular aggregates; Combined immunodeficiency due to STIM1 deficiency; Stormorken syndrome. Last evaluated: 2024-04-29. Review status: criteria provided, single submitter. Criteria: Invitae Variant Classification Sherloc (09022015). Collection method: clinical testing. Allele origin: germline.
Comment: This sequence change replaces asparagine, which is neutral and polar, with aspartic acid, which is acidic and polar, at codon 658 of the STIM1 protein (p.Asn658Asp). This variant is not present in population databases (gnomAD no frequency). This variant has not been reported in the literature in individuals affected with STIM1-related conditions. ClinVar contains an entry for this variant (Variation ID: 2201520). Advanced modeling of protein sequence and biophysical properties (such as structural, functional, and spatial information, amino acid conservation, physicochemical variation, residue mobility, and thermodynamic stability) has been performed at Invitae for this missense variant, however the output from this modeling did not meet the statistical confidence thresholds required to predict the impact of this variant on STIM1 protein function. In summary, the available evidence is currently insufficient to determine the role of this variant in disease. Therefore, it has been classified as a Variant of Uncertain Significance.

NM_001382567.1(STIM1):c.2065A>G (p.Asn689Asp)

Genes: STIM1 (stromal interaction molecule 1; plus strand), LOC124418421 (Sharpr-MPRA regulatory region 9588; plus strand). Cytogenetic location: 11p15.4.
Variant type: single nucleotide variant.
Coding change: c.2065A>G on transcript NM_001382567.1 (MANE Select); coding-DNA position 2065, A replaced by G.
Protein change: p.Asn689Asp; replaces asparagine 689 with aspartic acid.
Molecular consequence: missense variant. On other transcripts: 3 prime UTR variant (4), non-coding transcript variant (3).
Genome position (GRCh38, 1-based): chr11:4,091,712, A>G. VCF-style: chr11-4091712-A-G. GRCh37 (hg19) VCF-style: chr11-4112942-A-G.
Other names: c.2290A>G, p.Asn764Asp (NM_001277961.3); c.*386A>G (NM_001277962.2, NM_001382578.1, NM_001382579.1 and 1 more transcripts); c.2068A>G, p.Asn690Asp (NM_001382566.1); c.1993A>G, p.Asn665Asp (NM_001382568.1); c.1837A>G, p.Asn613Asp (NM_001382569.1); c.1744A>G, p.Asn582Asp (NM_001382570.1); c.1492A>G, p.Asn498Asp (NM_001382571.1); c.1750A>G, p.Asn584Asp (NM_001382575.1, NM_001382576.1, NM_001382577.1); and 2 more; short protein forms N613D, N665D, N764D, N582D, N495D, N584D, N658D, N689D.
Identifiers: ClinVar variation 2201520 (VCV002201520.4), dbSNP rs2094526491, ClinGen allele CA379198136.